The following is an entry in ClinVar:

NM_000069.3(CACNA1S):c.4835T>C (p.Leu1612Pro)

Gene: CACNA1S (calcium voltage-gated channel subunit alpha1 S; minus strand). Cytogenetic location: 1q32.1.
Variant type: single nucleotide variant.
Coding change: c.4835T>C on transcript NM_000069.3 (MANE Select); coding-DNA position 4835, T replaced by C.
Protein change: p.Leu1612Pro; replaces leucine 1612 with proline.
Molecular consequence: missense variant.
Genome position (GRCh38, 1-based): chr1:201,043,494, A>G on the plus strand (T>C on the coding strand, the complement: CACNA1S is on the minus strand). VCF-style: chr1-201043494-A-G. GRCh37 (hg19) VCF-style: chr1-201012622-A-G.
Other names: short protein forms L1612P.
Identifiers: ClinVar variation 1999040 (VCV001999040.4), dbSNP rs2464411705, ClinGen allele CA344137571.
Genomic context (GRCh38, chr1:201,043,494, plus strand): 5'-TCAGCAAACTGGAGGGGTCTCTGATTGGCCATGACGGGGGGCAGGGAGTTGGTCCTTTCC[A>G]GGAAGTTGTCCACCTGGCCAAACAGGCCTCCAGTCCTCTAGGGGCAAGGAGAAGAGCAGT-3'
Protein context (NP_000060.2, residues 1602-1622): GGLFGQVDNF[Leu1612Pro]ERTNSLPPVM

ClinVar aggregate classification (germline): Uncertain significance (1 of 4 stars; one submission).

Conditions:
Hypokalemic periodic paralysis, type 1. Also called: Hypokalemic Periodic Paralysis Type 1 (AD); HypoPP. Identifiers: Orphanet 681, MedGen C3714580, MONDO:0042979, OMIM 170400.
Malignant hyperthermia, susceptibility to, 5 (MHS5). Also called: CACNA1S-Related Malignant Hyperthermia Susceptibility. Identifiers: Orphanet 423, MedGen C1866077, MONDO:0011163, OMIM 601887.

Submission:

Labcorp Genetics (formerly Invitae), Labcorp
Classification: Uncertain significance for Hypokalemic periodic paralysis, type 1; Malignant hyperthermia, susceptibility to, 5. Last evaluated: 2022-10-25. Review status: criteria provided, single submitter. Criteria: Invitae Variant Classification Sherloc (09022015). Collection method: clinical testing. Allele origin: germline.
Comment: In summary, the available evidence is currently insufficient to determine the role of this variant in disease. Therefore, it has been classified as a Variant of Uncertain Significance. Advanced modeling of protein sequence and biophysical properties (such as structural, functional, and spatial information, amino acid conservation, physicochemical variation, residue mobility, and thermodynamic stability) performed at Invitae indicates that this missense variant is not expected to disrupt CACNA1S protein function. This variant has not been reported in the literature in individuals affected with CACNA1S-related conditions. This variant is not present in population databases (gnomAD no frequency). This sequence change replaces leucine, which is neutral and non-polar, with proline, which is neutral and non-polar, at codon 1612 of the CACNA1S protein (p.Leu1612Pro).